The following is an entry in ClinVar:

ClinVar aggregate classification (germline): Uncertain significance. Review status: criteria provided, multiple submitters, no conflicts (2 of 4 stars). 2 submissions from 2 submitters: Uncertain significance (2). Last evaluated 2019-05-08.

Conditions:
Familial adenomatous polyposis 1 (FAP1). Also called: POLYPOSIS, ADENOMATOUS INTESTINAL; FAMILIAL ADENOMATOUS POLYPOSIS 1, ATTENUATED. Identifiers: MedGen C2713442, MONDO:0021056, OMIM 175100. Disease mechanism: loss of function.
Hereditary cancer-predisposing syndrome. Also called: Neoplastic Syndromes, Hereditary; Hereditary Cancer Syndrome; Tumor predisposition; Hereditary neoplastic syndrome. Identifiers: Orphanet 140162, MedGen C0027672, MeSH D009386, MONDO:0015356.

Submissions (2):

Labcorp Genetics (formerly Invitae), Labcorp
Classification: Uncertain significance for Familial adenomatous polyposis 1. Last evaluated: 2019-05-08. Review status: criteria provided, single submitter. Criteria: Invitae Variant Classification Sherloc (09022015). Collection method: clinical testing. Allele origin: germline.
Comment: In summary, the available evidence is currently insufficient to determine the role of this variant in disease. Therefore, it has been classified as a Variant of Uncertain Significance. Algorithms developed to predict the effect of missense changes on protein structure and function do not agree on the potential impact of this missense change (SIFT: "Deleterious"; PolyPhen-2: "Benign"; Align-GVGD: "Class C0"). This variant has not been reported in the literature in individuals with APC-related disease. This variant is not present in population databases (ExAC no frequency). This sequence change replaces serine with lysine at codon 2207 of the APC protein (p.Ser2207Lys). The serine residue is highly conserved and there is a moderate physicochemical difference between serine and lysine.

Ambry Genetics
Classification: Uncertain significance for Hereditary cancer-predisposing syndrome. Last evaluated: 2018-12-26. Review status: criteria provided, single submitter. Criteria: Ambry Variant Classification Scheme 2023. Collection method: clinical testing. Allele origin: germline.
Comment: The c.6619_6620delTCinsAA variant (also known as p.S2207K), located in coding exon 15 of the APC gene, results from an in-frame deletion of TC and insertion of AA at nucleotide positions 6619 to 6620. This results in the substitution of the serine residue for a lysine residue at codon 2207, an amino acid with dissimilar properties. This amino acid position is well conserved in available vertebrate species. Since supporting evidence is limited at this time, the clinical significance of this alteration remains unclear.

NM_000038.6(APC):c.6619_6620delinsAA (p.Ser2207Lys)

Gene: APC (APC regulator of Wnt signaling pathway; plus strand). Cytogenetic location: 5q22.2.
Variant type: Indel.
Coding change: c.6619_6620delinsAA on transcript NM_000038.6 (MANE Select); coding-DNA positions 6619 to 6620, TC replaced by AA.
Protein change: p.Ser2207Lys; replaces serine 2207 with lysine.
Molecular consequence: missense variant.
Genome position (GRCh38, 1-based): chr5:112,842,213-112,842,214, TC replaced by AA. VCF-style: chr5-112842213-TC-AA. GRCh37 (hg19) VCF-style: chr5-112177910-TC-AA.
Other names: c.6544_6545delinsAA, p.Ser2182Lys (NM_001354898.2); c.6535_6536delinsAA, p.Ser2179Lys (NM_001354899.2); c.6496_6497delinsAA, p.Ser2166Lys (NM_001354900.2); c.6442_6443delinsAA, p.Ser2148Lys (NM_001354901.2); c.6346_6347delinsAA, p.Ser2116Lys (NM_001354902.2); c.6316_6317delinsAA, p.Ser2106Lys (NM_001354903.2); c.6241_6242delinsAA, p.Ser2081Lys (NM_001354904.2); c.6139_6140delinsAA, p.Ser2047Lys (NM_001354905.2); and 6 more; short protein forms S2081K, S2166K, S2189K, S2225K, S1924K, S2148K, S2207K, S2047K.
Identifiers: ClinVar variation 572294 (VCV000572294.14), dbSNP rs1561608810, ClinGen allele CA891843029.